The following is an entry in ClinVar:

ClinVar aggregate classification (germline): Uncertain significance. Review status: criteria provided, multiple submitters, no conflicts (2 of 4 stars). 3 submissions from 3 submitters: Uncertain significance (3). Last evaluated 2025-11-17.

Conditions:
Cardiovascular phenotype. Identifiers: MedGen CN230736.
Catecholaminergic polymorphic ventricular tachycardia (CVPT). Also called: Catecholamine-induced polymorphic ventricular tachycardia. Identifiers: Orphanet 3286, MedGen C5574922, MONDO:0017990.
Catecholaminergic polymorphic ventricular tachycardia 1. Also called: VENTRICULAR TACHYCARDIA, CATECHOLAMINERGIC POLYMORPHIC, 1, WITH OR WITHOUT ATRIAL DYSFUNCTION AND/OR DILATED CARDIOMYOPATHY; VENTRICULAR TACHYCARDIA, STRESS-INDUCED POLYMORPHIC 1; RYR2-Related Catecholaminergic Polymorphic Ventricular Tachycardia. Identifiers: Orphanet 3286, MedGen C1631597, MONDO:0011484, OMIM 604772.

Allele frequency attached by ClinVar (database versions not stated): gnomAD exomes below 0.00001.
gnomAD v4.1: 1 of 1,614,042 alleles (0.000062%); highest among the groups gnomAD compares: Admixed American, 0.0017%; no homozygotes.

Submissions (3):

Labcorp Genetics (formerly Invitae), Labcorp
Classification: Uncertain significance for Catecholaminergic polymorphic ventricular tachycardia 1. Last evaluated: 2025-11-17. Review status: criteria provided, single submitter. Criteria: Invitae Variant Classification Sherloc (09022015). Collection method: clinical testing. Allele origin: germline.
Comment: This sequence change replaces phenylalanine, which is neutral and non-polar, with leucine, which is neutral and non-polar, at codon 1825 of the RYR2 protein (p.Phe1825Leu). This variant is present in population databases (no rsID available, gnomAD 0.003%). This variant has not been reported in the literature in individuals affected with RYR2-related conditions. ClinVar contains an entry for this variant (Variation ID: 2414766). Invitae Evidence Modeling of protein sequence and biophysical properties (such as structural, functional, and spatial information, amino acid conservation, physicochemical variation, residue mobility, and thermodynamic stability) indicates that this missense variant is not expected to disrupt RYR2 protein function with a negative predictive value of 95%. In summary, the available evidence is currently insufficient to determine the role of this variant in disease. Therefore, it has been classified as a Variant of Uncertain Significance.

All of Us Research Program, National Institutes of Health
Classification: Uncertain significance for Catecholaminergic polymorphic ventricular tachycardia. Last evaluated: 2024-04-16. Review status: criteria provided, single submitter. Criteria: ACMG Guidelines, 2015. Collection method: clinical testing. Allele origin: germline. Inheritance: Autosomal dominant inheritance. Observed: 3 variant alleles, 3 heterozygotes.
Comment: This missense variant replaces phenylalanine with leucine at codon 1825 of the RYR2 protein. Computational prediction suggests that this variant may not impact protein structure and function (internally defined REVEL score threshold <= 0.5, PMID: 27666373). To our knowledge, functional studies have not been reported for this variant. This variant has not been reported in individuals affected with RYR2-related disorders in the literature. This variant has been identified in 1/248548 chromosomes in the general population by the Genome Aggregation Database (gnomAD). The available evidence is insufficient to determine the role of this variant in disease conclusively. Therefore, this variant is classified as a Variant of Uncertain Significance.

This study involves interpretation of variants in research participants for the purpose of population health screening. Participant phenotype was not available at the time of variant classification. Additional details can be found in publication PMID: 35346344, PMCID: PMC8962531

Ambry Genetics
Classification: Uncertain significance for Cardiovascular phenotype. Last evaluated: 2023-10-13. Review status: criteria provided, single submitter. Criteria: Ambry Variant Classification Scheme 2023. Collection method: clinical testing. Allele origin: germline.
Comment: The p.F1825L variant (also known as c.5473T>C), located in coding exon 37 of the RYR2 gene, results from a T to C substitution at nucleotide position 5473. The phenylalanine at codon 1825 is replaced by leucine, an amino acid with highly similar properties. This amino acid position is well conserved in available vertebrate species. In addition, this alteration is predicted to be tolerated by in silico analysis. Since supporting evidence is limited at this time, the clinical significance of this alteration remains unclear.

NM_001035.3(RYR2):c.5473T>C (p.Phe1825Leu)

Gene: RYR2 (ryanodine receptor 2; plus strand). Cytogenetic location: 1q43.
Variant type: single nucleotide variant.
Coding change: c.5473T>C on transcript NM_001035.3 (MANE Select); coding-DNA position 5473, T replaced by C.
Protein change: p.Phe1825Leu; replaces phenylalanine 1825 with leucine.
Molecular consequence: missense variant.
Genome position (GRCh38, 1-based): chr1:237,614,601, T>C. VCF-style: chr1-237614601-T-C. GRCh37 (hg19) VCF-style: chr1-237777901-T-C.
Other names: c.5473T>C (NM_001035.2); short protein forms F1825L.
Identifiers: ClinVar variation 2414766 (VCV002414766.9), dbSNP rs1251481694, ClinGen allele CA345405100.